The following is an entry in ClinVar:

ClinVar aggregate classification (germline): Uncertain significance. Review status: criteria provided, multiple submitters, no conflicts (2 of 4 stars). 3 submissions from 3 submitters: Uncertain significance (3). Last evaluated 2025-10-01.

Conditions:
Night blindness, congenital stationary, type1i. Also called: NIGHT BLINDNESS, CONGENITAL STATIONARY, TYPE 1I. Identifiers: MedGen C5231408, MONDO:0032811, OMIM 618555.
Inborn genetic diseases. Identifiers: MedGen C0950123, MeSH D030342.
Leber congenital amaurosis 1 (LCA1). Also called: AMAUROSIS CONGENITA OF LEBER I; RETINAL BLINDNESS, CONGENITAL; Congenital absence of the rods and cones; Leber's congenital tapetoretinal degeneration; Leber's congenital tapetoretinal dysplasia. Identifiers: Orphanet 65, MedGen C2931258, MONDO:0008764, OMIM 204000.
Cone-rod dystrophy 6 (CORD6). Also called: RETINAL CONE DYSTROPHY 2; Cone dystrophy progressive. Identifiers: Orphanet 1872, MedGen C1866293, MONDO:0011143, OMIM 601777.

Allele frequency attached by ClinVar (database versions not stated): gnomAD exomes below 0.00001.
gnomAD v4.1: 2 of 1,589,806 alleles (0.00013%); highest among the groups gnomAD compares: Non-Finnish European, 0.00017%; no homozygotes.

Submissions (3):

3billion
Classification: Uncertain significance for Night blindness, congenital stationary, type1i. Last evaluated: 2025-10-01. Review status: criteria provided, single submitter. Criteria: ACMG Guidelines, 2015. Collection method: clinical testing. Allele origin: germline. Affected: yes.
Comment: The variant is observed at an extremely low frequency in the gnomAD v4.1.0 dataset (total allele frequency: <0.001%). Predicted Consequence/Location: Missense variant In silico tool predictions suggest damaging effect of the variant on gene or gene product [REVEL: 0.61 (>=0.6, sensitivity 0.68 and specificity 0.92)]. The variant has been reported as of uncertain significance (ClinVar ID: VCV001381540). Therefore, this variant is classified as VUS according to the recommendation of ACMG/AMP guideline.

Ambry Genetics
Classification: Uncertain significance for Inborn genetic diseases. Last evaluated: 2022-01-26. Review status: criteria provided, single submitter. Criteria: Ambry Variant Classification Scheme 2023. Collection method: clinical testing. Allele origin: germline.

Labcorp Genetics (formerly Invitae), Labcorp
Classification: Uncertain significance for Leber congenital amaurosis 1; Cone-rod dystrophy 6. Last evaluated: 2021-03-25. Review status: criteria provided, single submitter. Criteria: Invitae Variant Classification Sherloc (09022015). Collection method: clinical testing. Allele origin: germline.
Comment: This sequence change replaces glutamic acid with lysine at codon 1051 of the GUCY2D protein (p.Glu1051Lys). The glutamic acid residue is highly conserved and there is a small physicochemical difference between glutamic acid and lysine. This variant is not present in population databases (ExAC no frequency). This variant has been observed in individual(s) with clinical features of inherited retinal dystrophy (Invitae). Algorithms developed to predict the effect of missense changes on protein structure and function are either unavailable or do not agree on the potential impact of this missense change (SIFT: "Deleterious"; PolyPhen-2: "Possibly Damaging"; Align-GVGD: "Class C0"). In summary, the available evidence is currently insufficient to determine the role of this variant in disease. Therefore, it has been classified as a Variant of Uncertain Significance.

NM_000180.4(GUCY2D):c.3151G>A (p.Glu1051Lys)

Gene: GUCY2D (guanylate cyclase 2D, retinal; plus strand). Cytogenetic location: 17p13.1.
Variant type: single nucleotide variant.
Coding change: c.3151G>A on transcript NM_000180.4 (MANE Select); coding-DNA position 3151, G replaced by A.
Protein change: p.Glu1051Lys; replaces glutamic acid 1051 with lysine.
Molecular consequence: missense variant.
Genome position (GRCh38, 1-based): chr17:8,016,217, G>A. VCF-style: chr17-8016217-G-A. GRCh37 (hg19) VCF-style: chr17-7919535-G-A.
Other names: c.3151G>A (NM_000180.3); short protein forms E1051K.
Identifiers: ClinVar variation 1381540 (VCV001381540.10), dbSNP rs1273973537, ClinGen allele CA397955964.
Genomic context (GRCh38, chr17:8,016,217, plus strand): 5'-CCCTCACCCCAGTCCGCCTAAGTCCTTCCCTCTCCCATGTCTCCCCAGGGCAAGGGCGCC[G>A]AGGACACTTTCTGGCTAGTGGGCAGACGCGGCTTCAACAAGCCCATCCCCAAACCGCCTG-3'
Protein context (NP_000171.1, residues 1041-1061): GRTELKGKGA[Glu1051Lys]DTFWLVGRRG